The following is an entry in ClinVar:

NM_003105.6(SORL1):c.2052-9C>A

Gene: SORL1 (sortilin related receptor 1; plus strand). Cytogenetic location: 11q24.1.
Variant type: single nucleotide variant.
Coding change: c.2052-9C>A on transcript NM_003105.6 (MANE Select); 9 bases into the intron before coding-DNA position 2052, C replaced by A.
Molecular consequence: intron variant.
Genome position (GRCh38, 1-based): chr11:121,549,951, C>A. VCF-style: chr11-121549951-C-A. GRCh37 (hg19) VCF-style: chr11-121420660-C-A.
Identifiers: ClinVar variation 1929834 (VCV001929834.5), dbSNP rs904435369, ClinGen allele CA229893862.

ClinVar aggregate classification (germline): Uncertain significance (1 of 4 stars; one submission).

Allele frequency attached by ClinVar (database versions not stated): gnomAD 0.00001.
gnomAD v4.1: 14 of 1,612,710 alleles (0.00087%); highest among the groups gnomAD compares: Middle Eastern, 0.082%; no homozygotes.

Submission:

Labcorp Genetics (formerly Invitae), Labcorp
Classification: Uncertain significance. Last evaluated: 2022-03-14. Review status: criteria provided, single submitter. Criteria: Invitae Variant Classification Sherloc (09022015). Collection method: clinical testing. Allele origin: germline.
Comment: In summary, the available evidence is currently insufficient to determine the role of this variant in disease. Therefore, it has been classified as a Variant of Uncertain Significance. Algorithms developed to predict the effect of sequence changes on RNA splicing suggest that this variant may disrupt the consensus splice site. This variant has not been reported in the literature in individuals affected with SORL1-related conditions. This variant is present in population databases (no rsID available, gnomAD 0.003%). This sequence change falls in intron 14 of the SORL1 gene. It does not directly change the encoded amino acid sequence of the SORL1 protein.